The following is an entry in ClinVar:

ClinVar aggregate classification (germline): Uncertain significance (1 of 4 stars; one submission).

Conditions:
Inborn genetic diseases. Identifiers: MedGen C0950123, MeSH D030342.

Submission:

Ambry Genetics
Classification: Uncertain significance for Inborn genetic diseases. Last evaluated: 2024-11-21. Review status: criteria provided, single submitter. Criteria: Ambry Variant Classification Scheme 2023. Collection method: clinical testing. Allele origin: germline.
Comment: The p.Y500N variant (also known as c.1498T>A), located in coding exon 8 of the MECOM gene, results from a T to A substitution at nucleotide position 1498. The tyrosine at codon 500 is replaced by asparagine, an amino acid with dissimilar properties. This amino acid position is conserved. In addition, the in silico prediction for this alteration is inconclusive. Based on the available evidence, the clinical significance of this variant remains unclear.

NM_004991.4(MECOM):c.1498T>A (p.Tyr500Asn)

Gene: MECOM (MDS1 and EVI1 complex locus; minus strand). Cytogenetic location: 3q26.2.
Variant type: single nucleotide variant.
Coding change: c.1498T>A on transcript NM_004991.4 (MANE Select); coding-DNA position 1498, T replaced by A.
Protein change: p.Tyr500Asn; replaces tyrosine 500 with asparagine.
Molecular consequence: missense variant. On other transcripts: intron variant (2).
Genome position (GRCh38, 1-based): chr3:169,116,374, A>T on the plus strand (T>A on the coding strand, the complement: MECOM is on the minus strand). VCF-style: chr3-169116374-A-T. GRCh37 (hg19) VCF-style: chr3-168834162-A-T.
Other names: c.1129T>A, p.Tyr377Asn (NM_001105077.4); c.934T>A, p.Tyr312Asn (NM_001105078.4, NM_001164000.2, NM_001205194.2 and 4 more transcripts); c.937T>A, p.Tyr313Asn (NM_001163999.2, NM_001366467.2, NM_001366468.2 and 1 more transcripts); c.1498T>A, p.Tyr500Asn (NM_001366466.2); c.1133-607T>A (NM_001366473.2); c.569-607T>A (NM_001366474.2); short protein forms Y313N, Y377N, Y312N, Y500N.
Identifiers: ClinVar variation 3394264 (VCV003394264.1).